The following is an entry in ClinVar:

ClinVar aggregate classification (germline): Uncertain significance. Review status: criteria provided, multiple submitters, no conflicts (2 of 4 stars). 3 submissions from 3 submitters: Uncertain significance (3). Last evaluated 2024-01-19.

Conditions:
Primary ciliary dyskinesia. Also called: Ciliary dyskinesia. Identifiers: Orphanet 244, MedGen C0008780, MONDO:0016575, HP:0012265.
Spermatogenic failure 18. Identifiers: MedGen C4539783, MONDO:0054615, OMIM 617576.
Ciliary dyskinesia, primary, 37 (CILD37). Also called: CILIARY DYSKINESIA, PRIMARY, 37, WITH OR WITHOUT SITUS INVERSUS. Identifiers: MedGen C4539798, MONDO:0033204, OMIM 617577.

Allele frequency attached by ClinVar (database versions not stated): gnomAD exomes 0.00004 and 0.00013; ESP Exome Variant Server 0.00008; ExAC 0.00015; TOPMed 0.00033; gnomAD 0.00035 and 0.00037; 1000 Genomes Project 0.00100; 1000 Genomes Project 30x 0.00109.
gnomAD v4.1: 113 of 1,613,920 alleles (0.007%); highest among the groups gnomAD compares: African/African-American, 0.12%; no homozygotes.

Submissions (3):

Labcorp Genetics (formerly Invitae), Labcorp
Classification: Uncertain significance for Ciliary dyskinesia, primary, 37; Spermatogenic failure 18. Last evaluated: 2024-01-19. Review status: criteria provided, single submitter. Criteria: Invitae Variant Classification Sherloc (09022015). Collection method: clinical testing. Allele origin: germline.
Comment: This sequence change replaces arginine, which is basic and polar, with glutamine, which is neutral and polar, at codon 2683 of the DNAH1 protein (p.Arg2683Gln). This variant is present in population databases (rs77451372, gnomAD 0.2%). This variant has not been reported in the literature in individuals affected with DNAH1-related conditions. ClinVar contains an entry for this variant (Variation ID: 573945). Advanced modeling of protein sequence and biophysical properties (such as structural, functional, and spatial information, amino acid conservation, physicochemical variation, residue mobility, and thermodynamic stability) performed at Invitae indicates that this missense variant is not expected to disrupt DNAH1 protein function with a negative predictive value of 80%. In summary, the available evidence is currently insufficient to determine the role of this variant in disease. Therefore, it has been classified as a Variant of Uncertain Significance.

GeneDx
Classification: Uncertain significance. Last evaluated: 2023-02-02. Review status: criteria provided, single submitter. Criteria: GeneDx Variant Classification Process June 2021. Collection method: clinical testing. Allele origin: germline. Affected: yes.
Comment: In silico analysis supports that this missense variant has a deleterious effect on protein structure/function; Has not been previously published as pathogenic or benign to our knowledge

UNC Molecular Genetics  Laboratory, University of North Carolina at Chapel Hill
Classification: Uncertain significance for Primary ciliary dyskinesia. Last evaluated: 2020-07-02. Review status: criteria provided, single submitter. Criteria: ACMG Guidelines, 2015. Collection method: clinical testing. Allele origin: germline. Observed: 1 heterozygote.

NM_015512.5(DNAH1):c.8048G>A (p.Arg2683Gln)

Gene: DNAH1 (dynein axonemal heavy chain 1; plus strand). Cytogenetic location: 3p21.1.
Variant type: single nucleotide variant.
Coding change: c.8048G>A on transcript NM_015512.5 (MANE Select); coding-DNA position 8048, G replaced by A.
Protein change: p.Arg2683Gln; replaces arginine 2683 with glutamine.
Molecular consequence: missense variant.
Genome position (GRCh38, 1-based): chr3:52,383,492, G>A. VCF-style: chr3-52383492-G-A. GRCh37 (hg19) VCF-style: chr3-52417508-G-A.
Other names: short protein forms R2683Q.
Identifiers: ClinVar variation 573945 (VCV000573945.8), dbSNP rs77451372, ClinGen allele CA2435074.
Genomic context (GRCh38, chr3:52,383,492, plus strand): 5'-CTGGTGACATTCCCAATCTGTATACTGCGGACGAGCAGGACCAGATCGTCAGCACCATGC[G>A]GCCCTATATCCAGGAGCAGGGCCTACAGCCCACCAAGGCCAACCTCATGGCTGCTTACAC-3'
Protein context (NP_056327.4, residues 2673-2693): DEQDQIVSTM[Arg2683Gln]PYIQEQGLQP